The following is an entry in ClinVar:

NM_012280.4(FTSJ1):c.232G>A (p.Ala78Thr)

Gene: FTSJ1 (FtsJ RNA 2'-O-methyltransferase 1; plus strand). Cytogenetic location: Xp11.23.
Variant type: single nucleotide variant.
Coding change: c.232G>A on transcript NM_012280.4 (MANE Select); coding-DNA position 232, G replaced by A.
Protein change: p.Ala78Thr; replaces alanine 78 with threonine.
Molecular consequence: missense variant. On other transcripts: intron variant (1).
Genome position (GRCh38, 1-based): chrX:48,478,657, G>A. VCF-style: chrX-48478657-G-A. GRCh37 (hg19) VCF-style: chrX-48337045-G-A.
Other names: c.232G>A, p.Ala78Thr (NM_001441195.1, NM_001441196.1, NM_001441197.1 and 4 more transcripts); c.-76-381G>A (NM_001282157.2); short protein forms A78T.
Identifiers: ClinVar variation 4540125 (VCV004540125.1).
Genomic context (GRCh38, chrX:48,478,657, plus strand): 5'-GTGGGCCATGTTGTCCACAGGGGCCAAGGGTCCGGCCACGTGGTGGCTGTGGACCTGCAG[G>A]CTATGGCTCCACTACCAGGTGTGGTACAGATCCAGGGGGACATCACCCAGGTAAGAGCAT-3'
Protein context (NP_036412.1, residues 68-88): SGHVVAVDLQ[Ala78Thr]MAPLPGVVQI

ClinVar aggregate classification (germline): Uncertain significance (1 of 4 stars; one submission).

Submission:

GeneDx
Classification: Uncertain significance. Last evaluated: 2025-06-23. Review status: criteria provided, single submitter. Criteria: GeneDx Variant Classification Process June 2021. Collection method: clinical testing. Allele origin: germline. Affected: yes.
Comment: Not observed at significant frequency in large population cohorts (gnomAD); In silico analysis supports that this missense variant has a deleterious effect on protein structure/function; Has not been previously published as pathogenic or benign to our knowledge